The following is an entry in ClinVar:

ClinVar aggregate classification (germline): Conflicting classifications of pathogenicity. Review status: criteria provided, conflicting classifications (1 of 4 stars). 4 submissions from 4 submitters: Likely pathogenic (3); Uncertain significance (1). Last evaluated 2025-07-03.

Conditions:
Congenital myasthenic syndrome (CMS). Also called: Congenital Myasthenic Syndromes. Identifiers: Orphanet 590, MedGen C0751882, MeSH D020294, MONDO:0018940.
Congenital myasthenic syndrome 4B. Also called: Myasthenic syndrome, congenital, 4b, fast-channel. Identifiers: Orphanet 590, MedGen C4225369, MONDO:0014586, OMIM 616324.
Congenital myasthenic syndrome 4A. Also called: CONGENITAL MYASTHENIC SYNDROME TYPE Ia1; Myasthenic syndrome, congenital, 4a, slow-channel; MYASTHENIC SYNDROME, CONGENITAL, 4A, SLOW-CHANNEL, AUTOSOMAL RECESSIVE. Identifiers: Orphanet 590, MedGen C4225413, MONDO:0011600, OMIM 605809.
Congenital myasthenic syndrome 4C (CMS4C). Also called: Myasthenic syndrome, congenital, associated with acetylcholine receptor deficiency. Identifiers: Orphanet 590, MedGen C1837091, MONDO:0012157, OMIM 608931.

gnomAD v4.1: 3 of 1,604,856 alleles (0.00019%); highest among the groups gnomAD compares: South Asian, 0.0022%; no homozygotes.

Submissions (4):

Natera, Inc.
Classification: Likely pathogenic for Congenital myasthenic syndrome. Last evaluated: 2025-07-03. Review status: criteria provided, single submitter. Criteria: Natera Variant Classification Schema (03/2026). Collection method: clinical testing. Allele origin: germline.
Comment: The c.610G>A variant in CHRNE is a missense variant predicted to cause substitution of glutamic acid to lysine at amino acid 204. This variant is rare in the general population with a frequency below the threshold expected for the associated phenotype(s). This variant has been observed in one or more individuals affected with the associated recessive disease, as either homozygous or compound heterozygous with a second variant (PMID: 29367459). This variant has been identified in one or more affected individuals with a phenotype highly consistent with the associated gene (PMID: 29367459). Functional studies show that this variant may disrupt protein function (PMID: 29367459). Computational prediction algorithms indicate this variant is likely to affect gene or protein function. Given the available evidence, this variant is classified as Likely Pathogenic.

Fulgent Genetics
Classification: Likely pathogenic for Congenital myasthenic syndrome 4A; Congenital myasthenic syndrome 4C; Congenital myasthenic syndrome 4B. Last evaluated: 2024-04-19. Review status: criteria provided, single submitter. Criteria: ACMG Guidelines, 2015. Collection method: clinical testing. Allele origin: germline.

Women's Health and Genetics/Laboratory Corporation of America, LabCorp
Classification: Likely pathogenic for Congenital myasthenic syndrome. Last evaluated: 2024-04-15. Review status: criteria provided, single submitter. Criteria: LabCorp Variant Classification Summary - May 2015. Collection method: clinical testing. Allele origin: germline.
Comment: Variant summary: CHRNE c.610G>A (p.Glu204Lys) results in a conservative amino acid change located in the Neurotransmitter-gated ion-channel ligand-binding domain (IPR006202) of the encoded protein sequence. Four of five in-silico tools predict a damaging effect of the variant on protein function. The variant was absent in 238904 control chromosomes (gnomAD). c.610G>A has been reported in the literature in an individual affected with Congenital Myasthenic Syndrome (Durmus_2018). These data indicate that the variant may be associated with disease. At least one publication reports experimental evidence evaluating an impact on protein function, finding that the variant reduces channel gating efficiency 11-fold (Shen_2018). The following publications have been ascertained in the context of this evaluation (PMID: 29395675, 29367459). ClinVar contains an entry for this variant (Variation ID: 1304530). Based on the evidence outlined above, the variant was classified as likely pathogenic.

GeneDx
Classification: Uncertain significance. Last evaluated: 2019-09-21. Review status: criteria provided, single submitter. Criteria: GeneDx Variant Classification Process June 2021. Collection method: clinical testing. Allele origin: germline. Affected: yes.
Comment: Not observed in large population cohorts (Lek et al., 2016); In silico analysis, which includes protein predictors and evolutionary conservation, supports a deleterious effect; This variant is associated with the following publications: (PMID: 29367459, 29395675)

Literature cited by the submitters: PubMed 29367459 (cited by Natera, Inc. and Women's Health and Genetics/Laboratory Corporation of America, LabCorp); PubMed 29395675 (cited by Women's Health and Genetics/Laboratory Corporation of America, LabCorp).

NM_000080.4(CHRNE):c.610G>A (p.Glu204Lys)

Genes: C17orf107 (chromosome 17 open reading frame 107; plus strand), CHRNE (cholinergic receptor nicotinic epsilon subunit; minus strand). Cytogenetic location: 17p13.2.
Variant type: single nucleotide variant.
Coding change: c.610G>A on transcript NM_000080.4 (MANE Select); coding-DNA position 610, G replaced by A.
Protein change: p.Glu204Lys; replaces glutamic acid 204 with lysine.
Molecular consequence: missense variant. On other transcripts: 3 prime UTR variant (1).
Genome position (GRCh38, 1-based): chr17:4,901,182, C>T on the plus strand (G>A on the coding strand, the complement: CHRNE is on the minus strand). VCF-style: chr17-4901182-C-T. GRCh37 (hg19) VCF-style: chr17-4804477-C-T.
Other names: c.610G>A (NM_000080.3); c.*649C>T (NM_001145536.2); short protein forms E204K.
Identifiers: ClinVar variation 1304530 (VCV001304530.5), dbSNP rs2151097489, ClinGen allele CA397305308.
Genomic context (GRCh38, chr17:4,901,182, plus strand): 5'-CGTCGGTGGCGCCACCGTGGTGGCGGCGGATCACCCCCGGGCAGAAGTCGATGGCCCACT[C>T]GCCGTTCTCTGCGGGACGGGGGCACGGTCAGCTGGCTGTCAGAGCGGGGCGCCCGCCGAG-3'
Protein context (NP_000071.1, residues 194-214): IDTEAYTENG[Glu204Lys]WAIDFCPGVI